The following is an entry in ClinVar:

ClinVar aggregate classification (germline): Uncertain significance (1 of 4 stars; one submission).

Conditions:
Hypertrophic cardiomyopathy 14. Identifiers: MedGen C2750467, MONDO:0013197, OMIM 613251.

Submission:

Labcorp Genetics (formerly Invitae), Labcorp
Classification: Uncertain significance for Hypertrophic cardiomyopathy 14. Last evaluated: 2022-02-06. Review status: criteria provided, single submitter. Criteria: Invitae Variant Classification Sherloc (09022015). Collection method: clinical testing. Allele origin: germline.
Comment: This sequence change affects an acceptor splice site in intron 18 of the MYH6 gene. It is expected to disrupt RNA splicing. Variants that disrupt the donor or acceptor splice site typically lead to a loss of protein function (PMID: 16199547), however the current clinical and genetic evidence is not sufficient to establish whether loss-of-function variants in MYH6 cause disease. This variant is not present in population databases (gnomAD no frequency). In summary, the available evidence is currently insufficient to determine the role of this variant in disease. Therefore, it has been classified as a Variant of Uncertain Significance. Algorithms developed to predict the effect of sequence changes on RNA splicing suggest that this variant may disrupt the consensus splice site. This variant has not been reported in the literature in individuals affected with MYH6-related conditions.

Literature cited by the submitters: PubMed 16199547.

NM_002471.4(MYH6):c.2169-2A>G

Gene: MYH6 (myosin heavy chain 6; minus strand). Cytogenetic location: 14q11.2.
Variant type: single nucleotide variant.
Coding change: c.2169-2A>G on transcript NM_002471.4 (MANE Select); the canonical splice acceptor site of the intron before coding-DNA position 2169, A replaced by G.
Molecular consequence: splice acceptor variant.
Genome position (GRCh38, 1-based): chr14:23,396,819, T>C on the plus strand (A>G on the coding strand, the complement: MYH6 is on the minus strand). VCF-style: chr14-23396819-T-C. GRCh37 (hg19) VCF-style: chr14-23866028-T-C.
Identifiers: ClinVar variation 2093773 (VCV002093773.4), dbSNP rs2502178958, ClinGen allele CA389017374.